The following is an entry in ClinVar:

NM_000260.4(MYO7A):c.6094del (p.Glu2032fs)

Gene: MYO7A (myosin VIIA; plus strand). Cytogenetic location: 11q13.5.
Variant type: Deletion.
Coding change: c.6094del on transcript NM_000260.4 (MANE Select); coding-DNA position 6094, one base deleted (G; older notation c.6094delG).
Protein change: p.Glu2032fs; shifts the reading frame from glutamic acid 2032.
Molecular consequence: frameshift variant.
Genome position (GRCh38, 1-based): chr11:77,211,194, G deleted; the last of 3 consecutive G bases (chr11:77,211,192-77,211,194); deleting any one gives the same sequence. VCF-style (leftmost placement, unchanged base first): chr11-77211191-CG-C. GRCh37 (hg19) VCF-style: chr11-76922236-CG-C.
Other names: c.5980del, p.Glu1994fs (NM_001127180.2); c.5947del, p.Glu1983fs (NM_001369365.1); short protein forms E1994fs, E1983fs, E2032fs.
Identifiers: ClinVar variation 5004167 (VCV005004167.1).
Genomic context (GRCh38, chr11:77,211,191, plus strand): 5'-GACCTGCTCTGTCTCTGACAGGAGTTGCCCAAGTATCTCCGAGGCTACCACAAGTGCACG[CG>C]GGAGGAGGTGCTGCAGCTGGGGGCGCTGATCTACAGGGTCAAGTTCGAGGAGGACAAGTC-3'

ClinVar aggregate classification (germline): Pathogenic (1 of 4 stars; one submission).

Conditions:
Usher syndrome type 1 (USH1). Also called: RETINITIS PIGMENTOSA AND CONGENITAL DEAFNESS. Identifiers: Orphanet 231169, Orphanet 886, MedGen C1568247, MONDO:0010168, OMIM 276900.

Submission:

Myriad Genetics, Inc.
Classification: Pathogenic for Usher syndrome type 1. Last evaluated: 2025-09-15. Review status: criteria provided, single submitter. Criteria: Myriad Autosomal Dominant, Autosomal Recessive and X-Linked Classification Criteria (2023). Collection method: clinical testing. Allele origin: unknown.
Comment: NM_000260.3(MYO7A):c.6094delG(E2032Rfs*9) is a frameshift variant classified as pathogenic in the context of MYO7A-related disorders. E2032Rfs*9 has not been observed in cases with relevant disease. Relevant functional assessments of this variant are not available in the literature. E2032Rfs*9 has not been observed in referenced population frequency databases. In summary, NM_000260.3(MYO7A):c.6094delG(E2032Rfs*9) is a frameshift variant in a gene where loss of function is a known mechanism of disease and is predicted to disrupt protein function. Please note: this variant was assessed in the context of healthy population screening.